The following is an entry in ClinVar:

ClinVar aggregate classification (germline): Benign (1 of 4 stars; one submission).

Conditions:
Familial adenomatous polyposis 1 (FAP1). Also called: POLYPOSIS, ADENOMATOUS INTESTINAL; FAMILIAL ADENOMATOUS POLYPOSIS 1, ATTENUATED. Identifiers: MedGen C2713442, MONDO:0021056, OMIM 175100. Disease mechanism: loss of function.

Allele frequency attached by ClinVar (database versions not stated): gnomAD exomes below 0.00001.
gnomAD v4.1: 1 of 1,614,080 alleles (0.000062%); highest among the groups gnomAD compares: Non-Finnish European, 0.000085%; no homozygotes.

Submission:

Myriad Genetics, Inc.
Classification: Benign for Familial adenomatous polyposis 1. Last evaluated: 2024-03-15. Review status: criteria provided, single submitter. Criteria: Myriad Autosomal Dominant, Autosomal Recessive and X-Linked Classification Criteria (2023). Collection method: clinical testing. Allele origin: unknown.
Comment: This variant is considered benign. This variant is a silent/synonymous amino acid change and it is not expected to impact splicing.

NM_000038.6(APC):c.2784C>T (p.Ala928=)

Gene: APC (APC regulator of Wnt signaling pathway; plus strand). Cytogenetic location: 5q22.2.
Variant type: single nucleotide variant.
Coding change: c.2784C>T on transcript NM_000038.6 (MANE Select); coding-DNA position 2784, C replaced by T.
Protein change: p.Ala928=; no amino-acid change (alanine 928 retained).
Molecular consequence: synonymous variant. On other transcripts: non-coding transcript variant (2).
Genome position (GRCh38, 1-based): chr5:112,838,378, C>T. VCF-style: chr5-112838378-C-T. GRCh37 (hg19) VCF-style: chr5-112174075-C-T.
Other names: c.2397C>T, p.Ala799= (NM_001407467.1, NM_001407469.1); c.1935C>T, p.Ala645= (NM_001407470.1, NM_001354906.2); c.1632C>T, p.Ala544= (NM_001407472.1, NM_001407471.1); c.2784C>T, p.Ala928= (NM_001127510.3, NM_001354895.2, NM_001407450.1); c.2730C>T, p.Ala910= (NM_001127511.3); c.2838C>T, p.Ala946= (NM_001354896.2, NM_001407447.1, NM_001407448.1 and 1 more transcripts); c.2814C>T, p.Ala938= (NM_001354897.2); c.2709C>T, p.Ala903= (NM_001354898.2); and 11 more.
Identifiers: ClinVar variation 3147987 (VCV003147987.1), dbSNP rs2149877311, ClinGen allele CA445962878.
Genomic context (GRCh38, chr5:112,838,378, plus strand): 5'-TACCACTGAATTACATTGTGTGACAGATGAGAGAAATGCACTTAGAAGAAGCTCTGCTGC[C>T]CATACACATTCAAACACTTACAATTTCACTAAGTCGGAAAATTCAAATAGGACATGTTCT-3'
Protein context (NP_000029.2, residues 918-938): ERNALRRSSA[Ala928=]HTHSNTYNFT